The following is an entry in ClinVar:

ClinVar aggregate classification (germline): Pathogenic (1 of 4 stars; one submission).

Conditions:
Autosomal recessive limb-girdle muscular dystrophy type 2O. Also called: MUSCULAR DYSTROPHY-DYSTROGLYCANOPATHY (LIMB-GIRDLE), TYPE C, 3; MUSCULAR DYSTROPHY-DYSTROGLYCANOPATHY, LIMB-GIRDLE, POMGNT1-RELATED; Limb-Girdle Muscular Dystrophy Type 3C. Identifiers: Orphanet 206564, MedGen C3150417, MONDO:0013161, OMIM 613157.
Muscular dystrophy-dystroglycanopathy (congenital with impaired intellectual development), type B, 3. Also called: MUSCULAR DYSTROPHY, CONGENITAL, POMGNT1-RELATED; Muscular dystrophy-dystroglycanopathy (congenital with intellectual disability), type B3. Identifiers: MedGen C3150412, MONDO:0013155, OMIM 613151.

Submission:

Labcorp Genetics (formerly Invitae), Labcorp
Classification: Pathogenic for Autosomal recessive limb-girdle muscular dystrophy type 2O; Muscular dystrophy-dystroglycanopathy (congenital with impaired intellectual development), type B, 3. Last evaluated: 2023-06-17. Review status: criteria provided, single submitter. Criteria: Invitae Variant Classification Sherloc (09022015). Collection method: clinical testing. Allele origin: germline.
Comment: For these reasons, this variant has been classified as Pathogenic. ClinVar contains an entry for this variant (Variation ID: 845990). A different variant (c.33_34delGCinsA) giving rise to the same protein effect has been determined to be pathogenic (PMID: 28688748). This suggests that this variant is also likely to be causative of disease. This variant is not present in population databases (gnomAD no frequency). This sequence change creates a premature translational stop signal (p.Phe13Leufs*17) in the POMGNT1 gene. It is expected to result in an absent or disrupted protein product. Loss-of-function variants in POMGNT1 are known to be pathogenic (PMID: 19299310, 20816175, 21447391, 26908613, 27391550).

Literature cited by the submitters: PubMed 28688748; PubMed 19299310; PubMed 20816175; PubMed 21447391; PubMed 26908613; PubMed 27391550.

NM_017739.4(POMGNT1):c.36del (p.Phe13fs)

Gene: POMGNT1 (protein O-linked mannose N-acetylglucosaminyltransferase 1 (beta 1,2-); minus strand). Cytogenetic location: 1p34.1.
Variant type: Deletion.
Coding change: c.36del on transcript NM_017739.4 (MANE Select); coding-DNA position 36, one base deleted (C; older notation c.36delC).
Protein change: p.Phe13fs; shifts the reading frame from phenylalanine 13.
Molecular consequence: frameshift variant.
Genome position (GRCh38, 1-based): chr1:46,197,786, G deleted on the plus strand (C on the coding strand, the reverse complement: POMGNT1 is on the minus strand); the first of 3 consecutive G bases (chr1:46,197,786-46,197,788); deleting any one gives the same sequence. VCF-style (leftmost placement, unchanged base first): chr1-46197785-AG-A. GRCh37 (hg19) VCF-style: chr1-46663457-AG-A.
Other names: c.36del, p.Phe13fs (NM_001243766.2); short protein forms F13fs.
Identifiers: ClinVar variation 845990 (VCV000845990.10), dbSNP rs1658363329, ClinGen allele CA916082028.